The following is an entry in ClinVar:

ClinVar aggregate classification (germline): Pathogenic (1 of 4 stars; one submission).

Conditions:
Melnick-Needles syndrome (MNS). Also called: MELNICK-NEEDLES OSTEODYSPLASTY; OSTEODYSPLASTY OF MELNICK AND NEEDLES; Melnick-Needles Syndrome (FLNA-MNS). Identifiers: Orphanet 2484, MedGen C0025237, MONDO:0010650, OMIM 309350.
Frontometaphyseal dysplasia (FMD1). Identifiers: Orphanet 1826, MedGen C0265293, MONDO:0015942.
Heterotopia, periventricular, X-linked dominant (PVNH1). Also called: PERIVENTRICULAR NODULAR HETEROTOPIA 1; X-linked periventricular heterotopia; PERIVENTRICULAR NODULAR HETEROTOPIA 4; HETEROTOPIA, PERIVENTRICULAR, 1. Identifiers: Orphanet 2149, Orphanet 82004, MedGen C1848213, MONDO:0010233, OMIM 300049.
Oto-palato-digital syndrome, type II (OPD2). Also called: FACIOPALATOOSSEOUS SYNDROME; OPD II SYNDROME; Otopalatodigital Syndrome, Type II; Otopalatodigital Syndrome Type 2 (FLNA-OPD2). Identifiers: Orphanet 669, Orphanet 90652, MedGen C1844696, MONDO:0010571, OMIM 304120.

Submission:

Labcorp Genetics (formerly Invitae), Labcorp
Classification: Pathogenic for Oto-palato-digital syndrome, type II; Heterotopia, periventricular, X-linked dominant; Frontometaphyseal dysplasia; Melnick-Needles syndrome. Last evaluated: 2024-03-28. Review status: criteria provided, single submitter. Criteria: Invitae Variant Classification Sherloc (09022015). Collection method: clinical testing. Allele origin: germline.
Comment: This sequence change creates a premature translational stop signal (p.Lys169Serfs*73) in the FLNA gene. It is expected to result in an absent or disrupted protein product. Loss-of-function variants in FLNA are known to be pathogenic (PMID: 16684786, 20730588, 26471271). This variant is not present in population databases (gnomAD no frequency). This variant has not been reported in the literature in individuals affected with FLNA-related conditions. For these reasons, this variant has been classified as Pathogenic.

Literature cited by the submitters: PubMed 16684786; PubMed 20730588; PubMed 26471271.

NM_001110556.2(FLNA):c.506del (p.Lys169fs)

Gene: FLNA (filamin A; minus strand). Cytogenetic location: Xq28.
Variant type: Deletion.
Coding change: c.506del on transcript NM_001110556.2 (MANE Select); coding-DNA position 506, one base deleted (A; older notation c.506delA).
Protein change: p.Lys169fs; shifts the reading frame from lysine 169.
Molecular consequence: frameshift variant.
Genome position (GRCh38, 1-based): chrX:154,367,958, T deleted on the plus strand (A on the coding strand, the reverse complement: FLNA is on the minus strand); the first of 2 consecutive T bases (chrX:154,367,958-154,367,959); deleting either gives the same sequence. VCF-style (leftmost placement, unchanged base first): chrX-154367957-CT-C. GRCh37 (hg19) VCF-style: chrX-153596325-CT-C.
Other names: c.506del, p.Lys169fs (NM_001456.4); short protein forms K169fs.
Identifiers: ClinVar variation 3755583 (VCV003755583.2).
Genomic context (GRCh38, chrX:154,367,957, plus strand): 5'-GCTGAAGTTGGTGATGGGCAGCTGCGGCAGCTTGTTCTGGATCCAGCCCAGGAGCCTCTG[CT>C]TGGGGGTCTGCTTCTTGGCCTCCTCATCCTCCTCCTCGTCCCACATGGGCATGGAGATGG-3'